The following is an entry in ClinVar:

NM_017739.4(POMGNT1):c.121-3C>T

Gene: POMGNT1 (protein O-linked mannose N-acetylglucosaminyltransferase 1 (beta 1,2-); minus strand). Cytogenetic location: 1p34.1.
Variant type: single nucleotide variant.
Coding change: c.121-3C>T on transcript NM_017739.4 (MANE Select); 3 bases into the intron before coding-DNA position 121, C replaced by T.
Molecular consequence: intron variant.
Genome position (GRCh38, 1-based): chr1:46,197,087, G>A on the plus strand (C>T on the coding strand, the complement: POMGNT1 is on the minus strand). VCF-style: chr1-46197087-G-A. GRCh37 (hg19) VCF-style: chr1-46662759-G-A.
Other names: c.121-3C>T (NM_001243766.2, NM_001438686.1, NM_001438688.1 and 3 more transcripts); c.55-3C>T (NM_001290129.3, NM_001438691.1, NM_001438692.1); c.-305-7C>T (NM_001290130.2).
Identifiers: ClinVar variation 1409889 (VCV001409889.6), dbSNP rs2148219601, ClinGen allele CA2573132050.
Genomic context (GRCh38, chr1:46,197,087, plus strand): 5'-CCAGGATCAACTTGATATTGACAATGACAGTCACCAGCAGGAAAAGCACGGCCCCTGTCT[G>A]AGGGGAGGGGTAGGGATGATTAAGAGGAGCACCTCCTTCAGATCCTAGAGGGTCTTTCTG-3'

ClinVar aggregate classification (germline): Uncertain significance (1 of 4 stars; one submission).

Conditions:
Autosomal recessive limb-girdle muscular dystrophy type 2O. Also called: Limb-Girdle Muscular Dystrophy Type 3C; MUSCULAR DYSTROPHY-DYSTROGLYCANOPATHY (LIMB-GIRDLE), TYPE C, 3; MUSCULAR DYSTROPHY-DYSTROGLYCANOPATHY, LIMB-GIRDLE, POMGNT1-RELATED. Identifiers: Orphanet 206564, MedGen C3150417, MONDO:0013161, OMIM 613157.
Muscular dystrophy-dystroglycanopathy (congenital with impaired intellectual development), type B, 3. Also called: MUSCULAR DYSTROPHY, CONGENITAL, POMGNT1-RELATED; Muscular dystrophy-dystroglycanopathy (congenital with intellectual disability), type B3. Identifiers: MedGen C3150412, MONDO:0013155, OMIM 613151.

Submission:

Labcorp Genetics (formerly Invitae), Labcorp
Classification: Uncertain significance for Autosomal recessive limb-girdle muscular dystrophy type 2O; Muscular dystrophy-dystroglycanopathy (congenital with impaired intellectual development), type B, 3. Last evaluated: 2023-11-13. Review status: criteria provided, single submitter. Criteria: Invitae Variant Classification Sherloc (09022015). Collection method: clinical testing. Allele origin: germline.
Comment: This sequence change falls in intron 2 of the POMGNT1 gene. It does not directly change the encoded amino acid sequence of the POMGNT1 protein. It affects a nucleotide within the consensus splice site. This variant is not present in population databases (gnomAD no frequency). This variant has not been reported in the literature in individuals affected with POMGNT1-related conditions. ClinVar contains an entry for this variant (Variation ID: 1409889). Variants that disrupt the consensus splice site are a relatively common cause of aberrant splicing (PMID: 17576681, 9536098). Algorithms developed to predict the effect of sequence changes on RNA splicing suggest that this variant is not likely to affect RNA splicing. In summary, the available evidence is currently insufficient to determine the role of this variant in disease. Therefore, it has been classified as a Variant of Uncertain Significance.

Literature cited by the submitters: PubMed 17576681; PubMed 9536098.